The following is an entry in ClinVar:

NM_001114753.3(ENG):c.901G>C (p.Gly301Arg)

Gene: ENG (endoglin; minus strand). Cytogenetic location: 9q34.11.
Variant type: single nucleotide variant.
Coding change: c.901G>C on transcript NM_001114753.3 (MANE Select); coding-DNA position 901, G replaced by C.
Protein change: p.Gly301Arg; replaces glycine 301 with arginine.
Molecular consequence: missense variant.
Genome position (GRCh38, 1-based): chr9:127,824,890, C>G on the plus strand (G>C on the coding strand, the complement: ENG is on the minus strand). VCF-style: chr9-127824890-C-G. GRCh37 (hg19) VCF-style: chr9-130587169-C-G.
Other names: c.901G>C, p.Gly301Arg (NM_000118.4, NM_001406715.1); c.355G>C, p.Gly119Arg (NM_001278138.2); short protein forms G119R, G301R.
Identifiers: ClinVar variation 1014794 (VCV001014794.12), dbSNP rs1830569316, ClinGen allele CA374982438.

ClinVar aggregate classification (germline): Uncertain significance (1 of 4 stars; one submission).

Conditions:
Hereditary hemorrhagic telangiectasia (HHT). Also called: Osler hemorrhagic telangiectasia syndrome; ORW DISEASE; Osler Weber Rendu syndrome; OSLER-RENDU-WEBER DISEASE. Identifiers: Orphanet 774, MedGen C0039445, MONDO:0019180. Disease mechanism: loss of function.

gnomAD v4.1: 1 of 1,613,520 alleles (0.000062%); highest among the groups gnomAD compares: Non-Finnish European, 0.000085%; no homozygotes.

Submission:

Labcorp Genetics (formerly Invitae), Labcorp
Classification: Uncertain significance for Hereditary hemorrhagic telangiectasia. Last evaluated: 2020-01-17. Review status: criteria provided, single submitter. Criteria: Invitae Variant Classification Sherloc (09022015). Collection method: clinical testing. Allele origin: germline.
Comment: This sequence change replaces glycine with arginine at codon 301 of the ENG protein (p.Gly301Arg). The glycine residue is weakly conserved and there is a moderate physicochemical difference between glycine and arginine. In summary, the available evidence is currently insufficient to determine the role of this variant in disease. Therefore, it has been classified as a Variant of Uncertain Significance. Algorithms developed to predict the effect of missense changes on protein structure and function (SIFT, PolyPhen-2, Align-GVGD) all suggest that this variant is likely to be tolerated, but these predictions have not been confirmed by published functional studies and their clinical significance is uncertain. This variant has not been reported in the literature in individuals with ENG-related conditions. This variant is not present in population databases (ExAC no frequency).